The following is an entry in ClinVar:

NM_021625.5(TRPV4):c.2610G>A (p.Pro870=)

Gene: TRPV4 (transient receptor potential cation channel subfamily V member 4; minus strand). Cytogenetic location: 12q24.11.
Variant type: single nucleotide variant.
Coding change: c.2610G>A on transcript NM_021625.5 (MANE Select); coding-DNA position 2610, G replaced by A.
Protein change: p.Pro870=; no amino-acid change (proline 870 retained).
Molecular consequence: synonymous variant.
Genome position (GRCh38, 1-based): chr12:109,783,627, C>T on the plus strand (G>A on the coding strand, the complement: TRPV4 is on the minus strand). VCF-style: chr12-109783627-C-T. GRCh37 (hg19) VCF-style: chr12-110221432-C-T.
Other names: c.2469G>A, p.Pro823= (NM_001177428.2); c.2508G>A, p.Pro836= (NM_001177431.2); c.2289G>A, p.Pro763= (NM_001177433.2); c.2430G>A, p.Pro810= (NM_147204.3).
Identifiers: ClinVar variation 917311 (VCV000917311.10), dbSNP rs548680957, ClinGen allele CA6779846.

ClinVar aggregate classification (germline): Likely benign. Review status: criteria provided, multiple submitters, no conflicts (2 of 4 stars). 3 submissions from 3 submitters: Likely benign (3). Last evaluated 2026-01-21.

Conditions:
Charcot-Marie-Tooth disease axonal type 2C (HMSN2C). Also called: CHARCOT-MARIE-TOOTH DISEASE, AXONAL, AUTOSOMAL DOMINANT, TYPE 2C; Charcot-Marie-Tooth Neuropathy Type 2C; Charcot-Marie-Tooth Disease Type 2, TRPV4-Related (CMT2C). Identifiers: Orphanet 99937, MedGen C1853710, MONDO:0011633, OMIM 606071.
Charcot-Marie-Tooth disease. Also called: Charcot-Marie-Tooth Neuropathy; Charcot-Marie-Tooth Hereditary Neuropathy. Identifiers: Orphanet 166, MedGen C0007959, MONDO:0015626.
TRPV4-related disorder. Also called: TRPV4-related disorders; TRPV4-related condition.

Allele frequency attached by ClinVar (database versions not stated): ExAC 0.00001; gnomAD 0.00002; gnomAD exomes 0.00003; TOPMed 0.00003; 1000 Genomes Project 30x 0.00016; 1000 Genomes Project 0.00020.
gnomAD v4.1: 27 of 1,613,160 alleles (0.0017%); highest among the groups gnomAD compares: East Asian, 0.016%; no homozygotes.

Submissions (3):

Labcorp Genetics (formerly Invitae), Labcorp
Classification: Likely benign for Charcot-Marie-Tooth disease axonal type 2C. Last evaluated: 2026-01-21. Review status: criteria provided, single submitter. Criteria: Invitae Variant Classification Sherloc (09022015). Collection method: clinical testing. Allele origin: germline.

PreventionGenetics, part of Exact Sciences
Classification: Likely benign for TRPV4-related condition. Last evaluated: 2025-05-29. Review status: criteria provided, single submitter. Criteria: ACMG Guidelines, 2015. Collection method: clinical testing. Allele origin: germline.
Comment: This variant is classified as likely benign based on ACMG/AMP sequence variant interpretation guidelines (Richards et al. 2015 PMID: 25741868, with internal and published modifications).

Molecular Genetics Laboratory, London Health Sciences Centre
Classification: Likely benign for Charcot-Marie-Tooth disease. Review status: criteria provided, single submitter. Criteria: ACMG Guidelines, 2015. Collection method: clinical testing. Allele origin: germline. Affected: yes.